The following is an entry in ClinVar:

ClinVar aggregate classification (germline): Uncertain significance (1 of 4 stars; one submission).

Conditions:
Inborn genetic diseases. Identifiers: MedGen C0950123, MeSH D030342.

gnomAD v4.1: 5 of 1,608,828 alleles (0.00031%); highest among the groups gnomAD compares: South Asian, 0.0044%; no homozygotes.

Submission:

Ambry Genetics
Classification: Uncertain significance for Inborn genetic diseases. Last evaluated: 2025-12-29. Review status: criteria provided, single submitter. Criteria: Ambry Variant Classification Scheme 2023. Collection method: clinical testing. Allele origin: germline.
Comment: The p.S205G variant (also known as c.613A>G), located in coding exon 8 of the ASXL1 gene, results from an A to G substitution at nucleotide position 613. The serine at codon 205 is replaced by glycine, an amino acid with similar properties. This amino acid position is conserved. In addition, this alteration is predicted to be tolerated by in silico analysis. Based on the available evidence, the clinical significance of this variant remains unclear.

NM_015338.6(ASXL1):c.613A>G (p.Ser205Gly)

Gene: ASXL1 (ASXL transcriptional regulator 1; plus strand). Cytogenetic location: 20q11.21.
Variant type: single nucleotide variant.
Coding change: c.613A>G on transcript NM_015338.6 (MANE Select); coding-DNA position 613, A replaced by G.
Protein change: p.Ser205Gly; replaces serine 205 with glycine.
Molecular consequence: missense variant. On other transcripts: intron variant (1).
Genome position (GRCh38, 1-based): chr20:32,429,948, A>G. VCF-style: chr20-32429948-A-G. GRCh37 (hg19) VCF-style: chr20-31017751-A-G.
Other names: c.535+517A>G (NM_001363734.1); short protein forms S205G.
Identifiers: ClinVar variation 4843655 (VCV004843655.1).
Genomic context (GRCh38, chr20:32,429,948, plus strand): 5'-GCTGTGCCTTCAGGGTTCTCGGGCTGCCACGCCGATGGCGAGAGCGGCAGCCCGTCCAGC[A>G]GCAGCAGCGGCTCTCTGGCCCTGGGCAGCGCTGCTATTCGTGGCCAGGCCGAGGTCACCC-3'
Protein context (NP_056153.2, residues 195-215): ADGESGSPSS[Ser205Gly]SSGSLALGSA